The following is an entry in ClinVar:

ClinVar aggregate classification (germline): Likely benign. Review status: criteria provided, multiple submitters, no conflicts (2 of 4 stars). 4 submissions from 4 submitters: Likely benign (4). Last evaluated 2026-01-14.

Conditions:
ADGRV1-related disorder. Also called: ADGRV1-related condition; ADGRV1-related disorders.

Allele frequency attached by ClinVar (database versions not stated): gnomAD 0.00001; gnomAD exomes 0.00001; TOPMed 0.00002.
gnomAD v4.1: 17 of 1,596,010 alleles (0.0011%); highest among the groups gnomAD compares: East Asian, 0.0067%; no homozygotes.

Submissions (4):

Labcorp Genetics (formerly Invitae), Labcorp
Classification: Likely benign. Last evaluated: 2026-01-14. Review status: criteria provided, single submitter. Criteria: Invitae Variant Classification Sherloc (09022015). Collection method: clinical testing. Allele origin: germline.

Women's Health and Genetics/Laboratory Corporation of America, LabCorp
Classification: Likely benign. Last evaluated: 2025-07-01. Review status: criteria provided, single submitter. Criteria: LabCorp Variant Classification Summary - May 2015. Collection method: clinical testing. Allele origin: germline.

PreventionGenetics, part of Exact Sciences
Classification: Likely benign for ADGRV1-related condition. Last evaluated: 2025-03-05. Review status: criteria provided, single submitter. Criteria: ACMG Guidelines, 2015. Collection method: clinical testing. Allele origin: germline.
Comment: This variant is classified as likely benign based on ACMG/AMP sequence variant interpretation guidelines (Richards et al. 2015 PMID: 25741868, with internal and published modifications).

Blueprint Genetics
Classification: Likely benign. Last evaluated: 2023-05-31. Review status: criteria provided, single submitter. Criteria: ACMG Guidelines, 2015. Collection method: clinical testing. Allele origin: germline.

NM_032119.4(ADGRV1):c.3023-9A>G

Gene: ADGRV1 (adhesion G protein-coupled receptor V1; plus strand). Cytogenetic location: 5q14.3.
Variant type: single nucleotide variant.
Coding change: c.3023-9A>G on transcript NM_032119.4 (MANE Select); 9 bases into the intron before coding-DNA position 3023, A replaced by G.
Molecular consequence: intron variant.
Genome position (GRCh38, 1-based): chr5:90,647,489, A>G. VCF-style: chr5-90647489-A-G. GRCh37 (hg19) VCF-style: chr5-89943306-A-G.
Other names: c.3023-9A>G (NM_032119.3).
Identifiers: ClinVar variation 1051302 (VCV001051302.13), dbSNP rs1387067263, ClinGen allele CA815357580.